The following is an entry in ClinVar:

NM_001110556.2(FLNA):c.1314C>T (p.Gly438=)

Gene: FLNA (filamin A; minus strand). Cytogenetic location: Xq28.
Variant type: single nucleotide variant.
Coding change: c.1314C>T on transcript NM_001110556.2 (MANE Select); coding-DNA position 1314, C replaced by T.
Protein change: p.Gly438=; no amino-acid change (glycine 438 retained).
Molecular consequence: synonymous variant.
Genome position (GRCh38, 1-based): chrX:154,366,139, G>A on the plus strand (C>T on the coding strand, the complement: FLNA is on the minus strand). VCF-style: chrX-154366139-G-A. GRCh37 (hg19) VCF-style: chrX-153594507-G-A.
Other names: c.1314C>T, p.Gly438= (NM_001456.4).
Identifiers: ClinVar variation 519877 (VCV000519877.19), dbSNP rs372113435, ClinGen allele CA10561207.
Genomic context (GRCh38, chrX:154,366,139, plus strand): 5'-GACGTGCACGGTGTGGACGCCCTCCATGGTGGGCTGGTAGCTGCAGCGGTATGTGCTGTC[G>A]CCCCGGGCCTCCAGCTGAGGCTCTACCGTGCCCTTCTGTCCCATGGGGTCCTGGATCACA-3'
Protein context (NP_001104026.1, residues 428-448): GTVEPQLEAR[Gly438=]DSTYRCSYQP

ClinVar aggregate classification (germline): Conflicting classifications of pathogenicity. Review status: criteria provided, conflicting classifications (1 of 4 stars). 5 submissions from 5 submitters: Uncertain significance (1); Likely benign (4). Last evaluated 2026-01-05.

Conditions:
Oto-palato-digital syndrome, type II (OPD2). Also called: Otopalatodigital Syndrome Type 2 (FLNA-OPD2); Otopalatodigital Syndrome, Type II; OPD II SYNDROME; FACIOPALATOOSSEOUS SYNDROME. Identifiers: Orphanet 669, Orphanet 90652, MedGen C1844696, MONDO:0010571, OMIM 304120.
Heterotopia, periventricular, X-linked dominant (PVNH1). Also called: PERIVENTRICULAR NODULAR HETEROTOPIA 1; PERIVENTRICULAR NODULAR HETEROTOPIA 4; HETEROTOPIA, PERIVENTRICULAR, 1; X-linked periventricular heterotopia. Identifiers: Orphanet 2149, Orphanet 82004, MedGen C1848213, MONDO:0010233, OMIM 300049.
Melnick-Needles syndrome (MNS). Also called: Melnick-Needles Syndrome (FLNA-MNS); OSTEODYSPLASTY OF MELNICK AND NEEDLES; MELNICK-NEEDLES OSTEODYSPLASTY. Identifiers: Orphanet 2484, MedGen C0025237, MONDO:0010650, OMIM 309350.
Frontometaphyseal dysplasia (FMD1). Identifiers: Orphanet 1826, MedGen C0265293, MONDO:0015942.
Familial thoracic aortic aneurysm and aortic dissection (TAAD). Also called: Thoracic aortic aneurysms and dissections. Identifiers: Orphanet 91387, MedGen C4707243, MONDO:0019625.

Allele frequency attached by ClinVar (database versions not stated): ExAC 0.00002; gnomAD 0.00002 and 0.00003; TOPMed 0.00002.
gnomAD v4.1: 18 of 1,208,864 alleles (0.0015%); highest among the groups gnomAD compares: Admixed American, 0.0087%; no homozygotes.

Submissions (6):

Labcorp Genetics (formerly Invitae), Labcorp
Classification: Likely benign for Oto-palato-digital syndrome, type II; Heterotopia, periventricular, X-linked dominant; Frontometaphyseal dysplasia; Melnick-Needles syndrome. Last evaluated: 2026-01-05. Review status: criteria provided, single submitter. Criteria: Invitae Variant Classification Sherloc (09022015). Collection method: clinical testing. Allele origin: germline.

GeneDx
Classification: Uncertain significance. Last evaluated: 2024-06-12. Review status: criteria provided, single submitter. Criteria: GeneDx Variant Classification Process June 2021. Collection method: clinical testing. Allele origin: germline. Affected: yes.
Comment: Has not been previously published as pathogenic or benign to our knowledge; In silico analysis suggests this variant may impact gene splicing. In the absence of RNA/functional studies, the actual effect of this sequence change is unknown.

Women's Health and Genetics/Laboratory Corporation of America, LabCorp
Classification: Likely benign. Last evaluated: 2024-01-28. Review status: criteria provided, single submitter. Criteria: LabCorp Variant Classification Summary - May 2015. Collection method: clinical testing. Allele origin: germline.

Blueprint Genetics
Classification: Likely benign. Last evaluated: 2023-12-29. Review status: criteria provided, single submitter. Criteria: ACMG Guidelines, 2015. Collection method: clinical testing. Allele origin: germline.

Ambry Genetics
Classification: Likely benign for Familial thoracic aortic aneurysm and aortic dissection. Last evaluated: 2016-06-21. Review status: criteria provided, single submitter. Criteria: Ambry Variant Classification Scheme 2023. Collection method: clinical testing. Allele origin: germline.

Dr. Peter K. Rogan Lab, Western University
No classification provided (evidence only). Condition: Thyroid cancer, nonmedullary, 1. Review status: no classification provided. Collection method: in vitro. Allele origin: not applicable. Functional consequence: skipped exon, retained intron. Not counted in ClinVar's aggregate classification.